The following is an entry in ClinVar:

NM_001039141.3(TRIOBP):c.130T>G (p.Ser44Ala)

Gene: TRIOBP (TRIO and F-actin binding protein; plus strand). Cytogenetic location: 22q13.1.
Variant type: single nucleotide variant.
Coding change: c.130T>G on transcript NM_001039141.3 (MANE Select); coding-DNA position 130, T replaced by G.
Protein change: p.Ser44Ala; replaces serine 44 with alanine.
Molecular consequence: missense variant.
Genome position (GRCh38, 1-based): chr22:37,710,442, T>G. VCF-style: chr22-37710442-T-G. GRCh37 (hg19) VCF-style: chr22-38106449-T-G.
Other names: short protein forms S44A.
Identifiers: ClinVar variation 5001805 (VCV005001805.1).

ClinVar aggregate classification (germline): Uncertain significance (1 of 4 stars; one submission).

Conditions:
TRIOBP-related disorder. Also called: TRIOBP-related condition.

gnomAD v4.1: 1 of 1,613,540 alleles (0.000062%); highest among the groups gnomAD compares: African/African-American, 0.0013%; no homozygotes.

Submission:

PreventionGenetics, part of Exact Sciences
Classification: Uncertain significance for TRIOBP-related condition. Last evaluated: 2025-02-10. Review status: criteria provided, single submitter. Criteria: ACMG Guidelines, 2015. Collection method: clinical testing. Allele origin: germline.
Comment: The TRIOBP c.130T>G variant is predicted to result in the amino acid substitution p.Ser44Ala. To our knowledge, this variant has not been reported in the literature or in a large population database (gnomAD), indicating this variant is rare. At this time, the clinical significance of this variant is uncertain due to the absence of conclusive functional and genetic evidence.